The following is an entry in ClinVar:

ClinVar aggregate classification (germline): Pathogenic (1 of 4 stars; one submission).

Conditions:
Ehlers-Danlos syndrome, classic type, 1 (EDSCL1). Also called: EHLERS-DANLOS SYNDROME, GRAVIS TYPE; EHLERS-DANLOS SYNDROME, SEVERE CLASSIC TYPE; Ehlers-Danlos syndrome, type 1; Ehlers-Danlos Syndrome, Classic Type, COL5A1-Related; EDS I. Identifiers: MedGen C0268335, MONDO:0019567, OMIM 130000.

Submission:

Labcorp Genetics (formerly Invitae), Labcorp
Classification: Pathogenic for Ehlers-Danlos syndrome, classic type, 1. Last evaluated: 2024-07-30. Review status: criteria provided, single submitter. Criteria: Invitae Variant Classification Sherloc (09022015). Collection method: clinical testing. Allele origin: germline.
Comment: This sequence change creates a premature translational stop signal (p.Gly1330Glufs*158) in the COL5A1 gene. It is expected to result in an absent or disrupted protein product. Loss-of-function variants in COL5A1 are known to be pathogenic (PMID: 23587214). This variant is not present in population databases (gnomAD no frequency). This variant has not been reported in the literature in individuals affected with COL5A1-related conditions. For these reasons, this variant has been classified as Pathogenic.

Literature cited by the submitters: PubMed 23587214.

NM_000093.5(COL5A1):c.3987del (p.Gly1330fs)

Gene: COL5A1 (collagen type V alpha 1 chain; plus strand). Cytogenetic location: 9q34.3.
Variant type: Deletion.
Coding change: c.3987del on transcript NM_000093.5 (MANE Select); coding-DNA position 3987, one base deleted (C; older notation c.3987delC).
Protein change: p.Gly1330fs; shifts the reading frame from glycine 1330.
Molecular consequence: frameshift variant.
Genome position (GRCh38, 1-based): chr9:134,814,877, C deleted; the last of 3 consecutive C bases (chr9:134,814,875-134,814,877); deleting any one gives the same sequence. VCF-style (leftmost placement, unchanged base first): chr9-134814874-TC-T. GRCh37 (hg19) VCF-style: chr9-137706720-TC-T.
Other names: c.3987del, p.Gly1330fs (NM_001278074.1); short protein forms G1330fs.
Identifiers: ClinVar variation 3660218 (VCV003660218.2).